The following is an entry in ClinVar:

ClinVar aggregate classification (germline): Likely benign. Review status: criteria provided, multiple submitters, no conflicts (2 of 4 stars). 4 submissions from 4 submitters: Likely benign (3). 1 of the submissions does not count toward it. Last evaluated 2026-01-07.

Conditions:
PRPH2-related disorder. Also called: PRPH2-related condition; PRPH2-related disorders. Identifiers: MedGen CN239395.

Allele frequency attached by ClinVar (database versions not stated): TOPMed 0.00009.
gnomAD v4.1: 48 of 1,613,804 alleles (0.003%); highest among the groups gnomAD compares: African/African-American, 0.017%; no homozygotes.

Submissions (4):

PreventionGenetics, part of Exact Sciences
Classification: Likely benign for PRPH2-related condition. Last evaluated: 2026-01-07. Review status: criteria provided, single submitter. Criteria: ACMG Guidelines, 2015. Collection method: clinical testing. Allele origin: germline.
Comment: This variant is classified as likely benign based on ACMG/AMP sequence variant interpretation guidelines (Richards et al. 2015 PMID: 25741868, with internal and published modifications).

Labcorp Genetics (formerly Invitae), Labcorp
Classification: Likely benign for PRPH2-related disorder. Last evaluated: 2025-09-29. Review status: criteria provided, single submitter. Criteria: Invitae Variant Classification Sherloc (09022015). Collection method: clinical testing. Allele origin: germline.

Blueprint Genetics
Classification: Likely benign. Last evaluated: 2021-11-11. Review status: criteria provided, single submitter. Criteria: ACMG Guidelines, 2015. Collection method: clinical testing. Allele origin: germline.

NEI Ophthalmic Genomics Laboratory, National Institutes of Health
No classification provided. Review status: no classification provided. Collection method: not provided. Allele origin: not provided. Not counted in ClinVar's aggregate classification.

NM_000322.5(PRPH2):c.933C>T (p.Ser311=)

Gene: PRPH2 (peripherin 2; minus strand). Cytogenetic location: 6p21.1.
Variant type: single nucleotide variant.
Coding change: c.933C>T on transcript NM_000322.5 (MANE Select); coding-DNA position 933, C replaced by T.
Protein change: p.Ser311=; no amino-acid change (serine 311 retained).
Molecular consequence: synonymous variant.
Genome position (GRCh38, 1-based): chr6:42,698,403, G>A on the plus strand (C>T on the coding strand, the complement: PRPH2 is on the minus strand). VCF-style: chr6-42698403-G-A. GRCh37 (hg19) VCF-style: chr6-42666141-G-A.
Identifiers: ClinVar variation 100554 (VCV000100554.11), dbSNP rs137853904, ClinGen allele CA228869.